The following is an entry in ClinVar:

ClinVar aggregate classification (germline): Uncertain significance (1 of 4 stars; one submission).

Submission:

GeneDx
Classification: Uncertain significance. Last evaluated: 2022-04-20. Review status: criteria provided, single submitter. Criteria: GeneDx Variant Classification Process June 2021. Collection method: clinical testing. Allele origin: germline. Affected: yes.
Comment: Not observed at significant frequency in large population cohorts (gnomAD); Has not been previously published as pathogenic or benign to our knowledge

NM_018444.4(PDP1):c.-3G>A

Gene: PDP1 (pyruvate dehydrogenase phosphatase catalytic subunit 1; plus strand). Cytogenetic location: 8q22.1.
Variant type: single nucleotide variant.
Coding change: c.-3G>A on transcript NM_018444.4 (MANE Select); 3 bases upstream of the start codon, G replaced by A.
Molecular consequence: 5 prime UTR variant. On other transcripts: missense variant (2).
Genome position (GRCh38, 1-based): chr8:93,922,057, G>A. VCF-style: chr8-93922057-G-A. GRCh37 (hg19) VCF-style: chr8-94934285-G-A.
Other names: c.73G>A, p.Ala25Thr (NM_001161779.2, NM_001161780.2); c.-3G>A (NM_001161781.2); short protein forms A25T.
Identifiers: ClinVar variation 1712145 (VCV001712145.2), dbSNP rs2537057447, ClinGen allele CA371690636.
Genomic context (GRCh38, chr8:93,922,057, plus strand): 5'-TGTCTAATTTGCTGTCTAGGAATCCCAGTCAGAAGTTCCAGCCTGCCACTGTTCTCTGAT[G>A]CCATGCCAGCACCAACTCAACTGTTTTTTCCTCTCATCCGTAACTGTGAACTGAGCAGGA-3'